The following is an entry in ClinVar:

NM_024009.3(GJB3):c.101T>C (p.Leu34Pro)

Gene: GJB3 (gap junction protein beta 3; plus strand). Cytogenetic location: 1p34.3.
Variant type: single nucleotide variant.
Coding change: c.101T>C on transcript NM_024009.3 (MANE Select); coding-DNA position 101, T replaced by C.
Protein change: p.Leu34Pro; replaces leucine 34 with proline.
Molecular consequence: missense variant.
Genome position (GRCh38, 1-based): chr1:34,784,863, T>C. VCF-style: chr1-34784863-T-C. GRCh37 (hg19) VCF-style: chr1-35250464-T-C.
Other names: c.101T>C, p.Leu34Pro (NM_001005752.2); short protein forms L34P.
Identifiers: ClinVar variation 6491 (VCV000006491.2), dbSNP rs28937583, ClinGen allele CA118309.

ClinVar aggregate classification (germline): Pathogenic. Review status: criteria provided, single submitter (1 of 4 stars). 2 submissions from 2 submitters: Pathogenic (1). 1 of the submissions does not count toward it. Last evaluated 2024-05-27.

Conditions:
Autosomal dominant nonsyndromic hearing loss 2B. Also called: DEAFNESS, AUTOSOMAL DOMINANT, WITH OR WITHOUT PERIPHERAL NEUROPATHY. Identifiers: Orphanet 90635, MedGen C2675236, MONDO:0012976, OMIM 612644.
Erythrokeratodermia variabilis et progressiva 1 (EKVP1). Also called: ERYTHROKERATODERMIA FIGURATA, CONGENITAL FAMILIAL, IN PLAQUES; ERYTHROKERATODERMIA VARIABILIS WITH ERYTHEMA GYRATUM REPENS; ERYTHROKERATODERMIA, PROGRESSIVE SYMMETRIC. Identifiers: Orphanet 317, MedGen C4551486, MONDO:0033010, OMIM 133200.

Submissions (2):

Laboratory of Prof. Karen Avraham, Tel Aviv University
Classification: Pathogenic for Autosomal dominant nonsyndromic hearing loss 2B. Last evaluated: 2024-05-27. Review status: criteria provided, single submitter. Criteria: ACMG Guidelines, 2015. Collection method: research. Allele origin: germline. Affected: yes. Observed: 1 variant allele.
Comment: Pathogenic according to Deafness Variation Database and ClinVar based on PMID: 12019212

DFNA2B; sloping normal-mild HL

OMIM
Classification: Pathogenic for ERYTHROKERATODERMIA VARIABILIS ET PROGRESSIVA 1. Last evaluated: 2002-05-15. Review status: no assertion criteria provided. Collection method: literature only. Allele origin: germline. Not counted in ClinVar's aggregate classification.

Literature cited by the submitters: PubMed 12019212 (cited by OMIM).